The following is an entry in ClinVar:

ClinVar aggregate classification (germline): Likely benign (0 of 4 stars; one submission).

Allele frequency attached by ClinVar (database versions not stated): ESP Exome Variant Server 0.70729; gnomAD 0.72343; TOPMed 0.73841; 1000 Genomes Project 30x 0.77983; 1000 Genomes Project 0.78015.
gnomAD v4.1: 1,132,013 of 1,613,212 alleles (70%); highest among the groups gnomAD compares: East Asian, 87%; 399,450 homozygotes.

Submission:

Genetic Services Laboratory, University of Chicago
Classification: Likely benign for AllHighlyPenetrant. Review status: no assertion criteria provided. Collection method: clinical testing. Allele origin: germline. Inheritance: Autosomal dominant inheritance.
Comment: Likely benign based on allele frequency in 1000 Genomes Project or ESP global frequency and its presence in a patient with a rare or unrelated disease phenotype. NOT Sanger confirmed.

NM_001128164.2(ATXN1):c.927T>C (p.Ala309=)

Gene: ATXN1 (ataxin 1; minus strand). Cytogenetic location: 6p22.3.
Variant type: single nucleotide variant.
Coding change: c.927T>C on transcript NM_001128164.2 (MANE Select); coding-DNA position 927, T replaced by C.
Protein change: p.Ala309=; no amino-acid change (alanine 309 retained).
Molecular consequence: synonymous variant. On other transcripts: 3 prime UTR variant (1).
Genome position (GRCh38, 1-based): chr6:16,327,384, A>G on the plus strand (T>C on the coding strand, the complement: ATXN1 is on the minus strand). VCF-style: chr6-16327384-A-G. GRCh37 (hg19) VCF-style: chr6-16327615-A-G.
Other names: c.927T>C, p.Ala309= (NM_000332.4); c.*340T>C (NM_001357857.2).
Identifiers: ClinVar variation 128505 (VCV000128505.7), dbSNP rs179990, ClinGen allele CA151994.